The following is an entry in ClinVar:

NM_000246.4(CIITA):c.1012del (p.Val338fs)

Gene: CIITA (class II major histocompatibility complex transactivator; plus strand). Cytogenetic location: 16p13.13.
Variant type: Deletion.
Coding change: c.1012del on transcript NM_000246.4 (MANE Select); coding-DNA position 1012, one base deleted (G; older notation c.1012delG).
Protein change: p.Val338fs; shifts the reading frame from valine 338.
Molecular consequence: frameshift variant. On other transcripts: intron variant (1).
Genome position (GRCh38, 1-based): chr16:10,906,504, G deleted; the last of 2 consecutive G bases (chr16:10,906,503-10,906,504); deleting either gives the same sequence. VCF-style (leftmost placement, unchanged base first): chr16-10906502-CG-C. GRCh37 (hg19) VCF-style: chr16-11000359-CG-C.
Other names: c.1015del, p.Val339fs (NM_001286402.1, NM_001379332.1); c.868del, p.Val290fs (NM_001379330.1); c.865del, p.Val289fs (NM_001379331.1); c.1012del, p.Val338fs (NM_001379333.1); c.943del, p.Val315fs (NM_001379334.1); c.859+1692del (NM_001286403.2); short protein forms V315fs, V338fs, V339fs, V290fs, V289fs.
Identifiers: ClinVar variation 2825793 (VCV002825793.3), dbSNP rs2544468139, ClinGen allele CA2739266603.

ClinVar aggregate classification (germline): Pathogenic (1 of 4 stars; one submission).

Conditions:
MHC class II deficiency. Also called: Bare lymphocyte syndrome 2; BLS, TYPE II. Identifiers: Orphanet 572, MedGen C5447452, MONDO:0008855.

Submission:

Labcorp Genetics (formerly Invitae), Labcorp
Classification: Pathogenic for MHC class II deficiency. Last evaluated: 2023-01-27. Review status: criteria provided, single submitter. Criteria: Invitae Variant Classification Sherloc (09022015). Collection method: clinical testing. Allele origin: germline.
Comment: For these reasons, this variant has been classified as Pathogenic. This variant has not been reported in the literature in individuals affected with CIITA-related conditions. This variant is not present in population databases (gnomAD no frequency). This sequence change creates a premature translational stop signal (p.Val338Trpfs*23) in the CIITA gene. It is expected to result in an absent or disrupted protein product. Loss-of-function variants in CIITA are known to be pathogenic (PMID: 8402893, 9099848, 26271388).

Literature cited by the submitters: PubMed 8402893; PubMed 9099848; PubMed 26271388.